The following is an entry in ClinVar:

ClinVar aggregate classification (germline): Uncertain significance (1 of 4 stars; one submission).

Submission:

Mayo Clinic Laboratories, Mayo Clinic
Classification: Uncertain significance. Last evaluated: 2022-02-03. Review status: criteria provided, single submitter. Criteria: ACMG Guidelines, 2015. Collection method: clinical testing. Allele origin: germline. Observed: 1 variant allele.
Comment: PM2

NM_005502.4(ABCA1):c.610A>T (p.Ile204Phe)

Gene: ABCA1 (ATP binding cassette subfamily A member 1; minus strand). Cytogenetic location: 9q31.1.
Variant type: single nucleotide variant.
Coding change: c.610A>T on transcript NM_005502.4 (MANE Select); coding-DNA position 610, A replaced by T.
Protein change: p.Ile204Phe; replaces isoleucine 204 with phenylalanine.
Molecular consequence: missense variant.
Genome position (GRCh38, 1-based): chr9:104,858,632, T>A on the plus strand (A>T on the coding strand, the complement: ABCA1 is on the minus strand). VCF-style: chr9-104858632-T-A. GRCh37 (hg19) VCF-style: chr9-107620913-T-A.
Other names: p.Ile204Phe; short protein forms I204F.
Identifiers: ClinVar variation 2683059 (VCV002683059.1), dbSNP rs1205250265, ClinGen allele CA374311711.